The following is an entry in ClinVar:

NM_000260.4(MYO7A):c.5471_5480+5del

Gene: MYO7A (myosin VIIA; plus strand). Cytogenetic location: 11q13.5.
Variant type: Deletion.
Coding change: c.5471_5480+5del on transcript NM_000260.4 (MANE Select); coding-DNA position 5471 through 5 bases into the intron after coding-DNA position 5480, 15 bases deleted (ACCACATCAGGTGAG).
Molecular consequence: splice donor variant.
Genome position (GRCh38, 1-based): chr11:77,204,220-77,204,234, ACCACATCAGGTGAG deleted. VCF-style (leftmost placement, unchanged base first): chr11-77204219-AACCACATCAGGTGAG-A. GRCh37 (hg19) VCF-style: chr11-76915264-AACCACATCAGGTGAG-A.
Other names: c.5324_5333+5del (NM_001369365.1); c.5357_5366+5del (NM_001127180.2); c.5471_5480+5delACCACATCAGGTGAG (NM_000260.3).
Identifiers: ClinVar variation 1066518 (VCV001066518.6), dbSNP rs1591479665, ClinGen allele CA918919056.

ClinVar aggregate classification (germline): Pathogenic/Likely pathogenic. Review status: criteria provided, multiple submitters, no conflicts (2 of 4 stars). 2 submissions from 2 submitters: Pathogenic (1); Likely pathogenic (1). Last evaluated 2024-03-11.

Conditions:
Usher syndrome type 1B (USH1B). Also called: Usher syndrome type IB. Identifiers: MedGen C1848638, MONDO:0700087.

Allele frequency attached by ClinVar (database versions not stated): TOPMed below 0.00001.

Submissions (2):

Natera, Inc.
Classification: Pathogenic for Usher syndrome type 1B. Last evaluated: 2024-03-11. Review status: criteria provided, single submitter. Criteria: Natera Variant Classification Schema (03/2026). Collection method: clinical testing. Allele origin: germline.
Comment: The c.5471_5480+5delACCACATCAGGTGAG variant in MYO7A is a deletion affecting a canonical splice donor site and part of an exon. This variant is expected to result in nonsense mediated decay, truncation, or a dysfunctional protein product. This variant is rare in the general population with a frequency below the threshold expected for the associated phenotype(s). Another variant at this same site results in an alteration predicted to cause a similar molecular effect has been observed in individual(s) with the associated phenotype. Given the available evidence, this variant is classified as Pathogenic.

Labcorp Genetics (formerly Invitae), Labcorp
Classification: Likely pathogenic. Last evaluated: 2020-06-13. Review status: criteria provided, single submitter. Criteria: Invitae Variant Classification Sherloc (09022015). Collection method: clinical testing. Allele origin: germline.
Comment: This variant results in the deletion of part of exon 39 (c.5471_5480+5del) of the MYO7A gene. It is expected to disrupt RNA splicing and likely results in an absent or disrupted protein product. This variant is not present in population databases (ExAC no frequency). This variant has not been reported in the literature in individuals with MYO7A-related conditions. Algorithms developed to predict the effect of sequence changes on RNA splicing suggest that this variant may disrupt the consensus splice site, but this prediction has not been confirmed by published transcriptional studies. Loss-of-function variants in MYO7A are known to be pathogenic (PMID: 8900236, 25404053). In summary, the currently available evidence indicates that the variant is pathogenic, but additional data are needed to prove that conclusively. Therefore, this variant has been classified as Likely Pathogenic.

Literature cited by the submitters: PubMed 8900236 (cited by Labcorp Genetics (formerly Invitae), Labcorp); PubMed 25404053 (cited by Labcorp Genetics (formerly Invitae), Labcorp).